The following is an entry in ClinVar:

ClinVar aggregate classification (germline): Uncertain significance (1 of 4 stars; one submission).

Conditions:
Tuberous sclerosis 1 (TSC1). Identifiers: Orphanet 805, MedGen C1854465, MONDO:0008612, OMIM 191100.

Submission:

Labcorp Genetics (formerly Invitae), Labcorp
Classification: Uncertain significance for Tuberous sclerosis 1. Last evaluated: 2021-08-31. Review status: criteria provided, single submitter. Criteria: Invitae Variant Classification Sherloc (09022015). Collection method: clinical testing. Allele origin: germline.
Comment: In summary, the available evidence is currently insufficient to determine the role of this variant in disease. Therefore, it has been classified as a Variant of Uncertain Significance. Algorithms developed to predict the effect of missense changes on protein structure and function output the following: SIFT: "Tolerated"; PolyPhen-2: "Benign"; Align-GVGD: "Class C0". The alanine amino acid residue is found in multiple mammalian species, suggesting that this missense change does not adversely affect protein function. These predictions have not been confirmed by published functional studies and their clinical significance is uncertain. This variant has not been reported in the literature in individuals with TSC1-related conditions. This variant is not present in population databases (ExAC no frequency). This sequence change replaces serine with alanine at codon 91 of the TSC1 protein (p.Ser91Ala). The serine residue is moderately conserved and there is a moderate physicochemical difference between serine and alanine.

NM_000368.5(TSC1):c.271T>G (p.Ser91Ala)

Gene: TSC1 (TSC complex subunit 1; minus strand). Cytogenetic location: 9q34.13.
Variant type: single nucleotide variant.
Coding change: c.271T>G on transcript NM_000368.5 (MANE Select); coding-DNA position 271, T replaced by G.
Protein change: p.Ser91Ala; replaces serine 91 with alanine.
Molecular consequence: missense variant. On other transcripts: 5 prime UTR variant (1), intron variant (1).
Genome position (GRCh38, 1-based): chr9:132,925,679, A>C on the plus strand (T>G on the coding strand, the complement: TSC1 is on the minus strand). VCF-style: chr9-132925679-A-C. GRCh37 (hg19) VCF-style: chr9-135801066-A-C.
Other names: c.271T>G, p.Ser91Ala (NM_001162426.2); c.-93T>G (NM_001362177.2); c.210+1522T>G (NM_001162427.2); short protein forms S91A.
Identifiers: ClinVar variation 1499883 (VCV001499883.8), dbSNP rs2132235320, ClinGen allele CA375374638.